The following is an entry in ClinVar:

NM_014845.6(FIG4):c.2660T>C (p.Met887Thr)

Gene: FIG4 (FIG4 phosphoinositide 5-phosphatase; plus strand). Cytogenetic location: 6q21.
Variant type: single nucleotide variant.
Coding change: c.2660T>C on transcript NM_014845.6 (MANE Select); coding-DNA position 2660, T replaced by C.
Protein change: p.Met887Thr; replaces methionine 887 with threonine.
Molecular consequence: missense variant.
Genome position (GRCh38, 1-based): chr6:109,825,201, T>C. VCF-style: chr6-109825201-T-C. GRCh37 (hg19) VCF-style: chr6-110146404-T-C.
Other names: p.Met887Thr; short protein forms M887T.
Identifiers: ClinVar variation 1408063 (VCV001408063.9), dbSNP rs780643086, ClinGen allele CA3956471.

ClinVar aggregate classification (germline): Uncertain significance. Review status: criteria provided, multiple submitters, no conflicts (2 of 4 stars). 4 submissions from 4 submitters: Uncertain significance (4). Last evaluated 2022-07-29.

Conditions:
Inborn genetic diseases. Identifiers: MedGen C0950123, MeSH D030342.
Charcot-Marie-Tooth disease type 4. Also called: Charcot-Marie-Tooth disease, type IV; Charcot-Marie-Tooth, Type 4. Identifiers: Orphanet 64749, MedGen C4082197, MONDO:0018995.

Allele frequency attached by ClinVar (database versions not stated): gnomAD 0.00001; TOPMed 0.00002; gnomAD exomes 0.00003 and 0.00004; ExAC 0.00005.
gnomAD v4.1: 44 of 1,613,996 alleles (0.0027%); highest among the groups gnomAD compares: Middle Eastern, 0.13%; no homozygotes.

Submissions (4):

Athena Diagnostics
Classification: Uncertain significance. Last evaluated: 2022-07-29. Review status: criteria provided, single submitter. Criteria: Athena Diagnostics Criteria. Collection method: clinical testing. Allele origin: unknown.

Mayo Clinic Laboratories, Mayo Clinic
Classification: Uncertain significance. Last evaluated: 2022-07-01. Review status: criteria provided, single submitter. Criteria: ACMG Guidelines, 2015. Collection method: clinical testing. Allele origin: germline. Observed: 1 variant allele.
Comment: BP4

Labcorp Genetics (formerly Invitae), Labcorp
Classification: Uncertain significance for Charcot-Marie-Tooth disease type 4. Last evaluated: 2021-10-29. Review status: criteria provided, single submitter. Criteria: Invitae Variant Classification Sherloc (09022015). Collection method: clinical testing. Allele origin: germline.
Comment: This sequence change replaces methionine, which is neutral and non-polar, with threonine, which is neutral and polar, at codon 887 of the FIG4 protein (p.Met887Thr). This variant is present in population databases (rs780643086, gnomAD 0.01%). This variant has not been reported in the literature in individuals affected with FIG4-related conditions. Algorithms developed to predict the effect of missense changes on protein structure and function (SIFT, PolyPhen-2, Align-GVGD) all suggest that this variant is likely to be tolerated. In summary, the available evidence is currently insufficient to determine the role of this variant in disease. Therefore, it has been classified as a Variant of Uncertain Significance.

Ambry Genetics
Classification: Uncertain significance for Inborn genetic diseases. Last evaluated: 2019-11-20. Review status: criteria provided, single submitter. Criteria: Ambry Variant Classification Scheme 2023. Collection method: clinical testing. Allele origin: germline.
Comment: The p.M887T variant (also known as c.2660T>C), located in coding exon 23 of the FIG4 gene, results from a T to C substitution at nucleotide position 2660. The methionine at codon 887 is replaced by threonine, an amino acid with similar properties. This amino acid position is well conserved in available vertebrate species. In addition, this alteration is predicted to be tolerated by in silico analysis. Since supporting evidence is limited at this time, the clinical significance of this alteration remains unclear.

Literature cited by the submitters: PubMed 21705420 (cited by Athena Diagnostics and Mayo Clinic Laboratories, Mayo Clinic).